The following is an entry in ClinVar:

NM_001013703.4(EIF2AK4):c.2250-233C>T

Gene: EIF2AK4 (eukaryotic translation initiation factor 2 alpha kinase 4; plus strand). Cytogenetic location: 15q15.1.
Variant type: single nucleotide variant.
Coding change: c.2250-233C>T on transcript NM_001013703.4 (MANE Select); 233 bases into the intron before coding-DNA position 2250, C replaced by T.
Molecular consequence: intron variant.
Genome position (GRCh38, 1-based): chr15:39,977,845, C>T. VCF-style: chr15-39977845-C-T. GRCh37 (hg19) VCF-style: chr15-40270046-C-T.
Identifiers: ClinVar variation 678040 (VCV000678040.1), dbSNP rs12901065, ClinGen allele CA15846541.

ClinVar aggregate classification (germline): Benign (1 of 4 stars; one submission).

Allele frequency attached by ClinVar (database versions not stated): 1000 Genomes Project 30x 0.42817; 1000 Genomes Project 0.43051; TOPMed 0.45086; gnomAD 0.46061 and 0.46308; gnomAD exomes 0.48157.
gnomAD v4.1: 151,105 of 320,908 alleles (47%); highest among the groups gnomAD compares: East Asian, 50%; 36,471 homozygotes.

Submission:

GeneDx
Classification: Benign. Last evaluated: 2018-06-14. Review status: criteria provided, single submitter. Criteria: GeneDx Variant Classification (06012015). Collection method: clinical testing. Allele origin: germline. Affected: yes.
Comment: This variant is considered likely benign or benign based on one or more of the following criteria: it is a conservative change, it occurs at a poorly conserved position in the protein, it is predicted to be benign by multiple in silico algorithms, and/or has population frequency not consistent with disease.